The following is an entry in ClinVar:

NM_001283009.2(RTEL1):c.1154A>G (p.Asn385Ser)

Genes: RTEL1 (regulator of telomere elongation helicase 1; plus strand), RTEL1-TNFRSF6B (RTEL1-TNFRSF6B readthrough (NMD candidate); plus strand). Cytogenetic location: 20q13.33.
Variant type: single nucleotide variant.
Coding change: c.1154A>G on transcript NM_001283009.2 (MANE Select); coding-DNA position 1154, A replaced by G.
Protein change: p.Asn385Ser; replaces asparagine 385 with serine.
Molecular consequence: missense variant. On other transcripts: non-coding transcript variant (1).
Genome position (GRCh38, 1-based): chr20:63,680,682, A>G. VCF-style: chr20-63680682-A-G. GRCh37 (hg19) VCF-style: chr20-62312035-A-G.
Other names: c.485A>G, p.Asn162Ser (NM_001283010.1); c.1154A>G, p.Asn385Ser (NM_016434.4); c.1226A>G, p.Asn409Ser (NM_032957.5); short protein forms N385S, N162S, N409S.
Identifiers: ClinVar variation 3791032 (VCV003791032.1).

ClinVar aggregate classification (germline): Uncertain significance (1 of 4 stars; one submission).

Conditions:
Inborn genetic diseases. Identifiers: MedGen C0950123, MeSH D030342.

Submission:

Ambry Genetics
Classification: Uncertain significance for Inborn genetic diseases. Last evaluated: 2025-01-06. Review status: criteria provided, single submitter. Criteria: Ambry Variant Classification Scheme 2023. Collection method: clinical testing. Allele origin: germline.
Comment: The p.N385S variant (also known as c.1154A>G), located in coding exon 13 of the RTEL1 gene, results from an A to G substitution at nucleotide position 1154. The asparagine at codon 385 is replaced by serine, an amino acid with highly similar properties. This amino acid position is conserved. In addition, this alteration is predicted to be tolerated by in silico analysis. Based on the available evidence, the clinical significance of this variant remains unclear.